The following is an entry in ClinVar:

ClinVar aggregate classification (germline): Uncertain significance (1 of 4 stars; one submission).

Submission:

GeneDx
Classification: Uncertain significance. Last evaluated: 2022-02-21. Review status: criteria provided, single submitter. Criteria: GeneDx Variant Classification Process June 2021. Collection method: clinical testing. Allele origin: germline. Affected: yes.
Comment: Not observed at significant frequency in large population cohorts (gnomAD); Frameshift variant predicted to result in protein truncation as the last 50 amino acids are replaced with 69 different amino acids, although loss-of-function variants have not been reported downstream of this position in the protein; Has not been previously published as pathogenic or benign to our knowledge

NM_014727.3(KMT2B):c.7997_8007delinsGGTC (p.Val2666fs)

Gene: KMT2B (lysine methyltransferase 2B; plus strand). Cytogenetic location: 19q13.12.
Variant type: Indel.
Coding change: c.7997_8007delinsGGTC on transcript NM_014727.3 (MANE Select); coding-DNA positions 7997 to 8007, TGGAGGGCCAG replaced by GGTC.
Protein change: p.Val2666fs; shifts the reading frame from valine 2666.
Molecular consequence: frameshift variant.
Genome position (GRCh38, 1-based): chr19:35,738,406-35,738,416, TGGAGGGCCAG replaced by GGTC. VCF-style: chr19-35738406-TGGAGGGCCAG-GGTC. GRCh37 (hg19) VCF-style: chr19-36229307-TGGAGGGCCAG-GGTC.
Other names: short protein forms V2666fs.
Identifiers: ClinVar variation 1343052 (VCV001343052.2), dbSNP rs2146483100, ClinGen allele CA2573054745.